The following is an entry in ClinVar:

NM_005045.4(RELN):c.9474dup (p.Cys3159fs)

Genes: SLC26A5-AS1 (SLC26A5 antisense RNA 1; plus strand), RELN (reelin; minus strand), LOC126860130 (BRD4-independent group 4 enhancer GRCh37_chr7:103130126-103131325; plus strand). Cytogenetic location: 7q22.1.
Variant type: Duplication.
Coding change: c.9474dup on transcript NM_005045.4 (MANE Select); coding-DNA position 9474, one base duplicated (G; older notation c.9474dupG).
Protein change: p.Cys3159fs; shifts the reading frame from cysteine 3159.
Molecular consequence: frameshift variant.
Genome position (GRCh38, 1-based): chr7:103,490,799, C duplicated on the plus strand (G on the coding strand, the reverse complement: RELN is on the minus strand). VCF-style (leftmost placement, unchanged base first): chr7-103490798-A-AC. GRCh37 (hg19) VCF-style: chr7-103131245-A-AC.
Other names: c.9474dup, p.Cys3159fs (NM_173054.3); short protein forms C3159fs.
Identifiers: ClinVar variation 2945373 (VCV002945373.3), dbSNP rs2485717743, ClinGen allele CA2740097452.

ClinVar aggregate classification (germline): Pathogenic (1 of 4 stars; one submission).

Conditions:
Norman-Roberts syndrome (LIS2). Also called: Lissencephaly 2 (Norman-Roberts type). Identifiers: Orphanet 89844, MedGen C0796089, MONDO:0009760, OMIM 257320.
Familial temporal lobe epilepsy 7. Identifiers: Orphanet 101046, MedGen C4225327, MONDO:0014639, OMIM 616436.

Submission:

Labcorp Genetics (formerly Invitae), Labcorp
Classification: Pathogenic for Familial temporal lobe epilepsy 7; Norman-Roberts syndrome. Last evaluated: 2024-03-04. Review status: criteria provided, single submitter. Criteria: Invitae Variant Classification Sherloc (09022015). Collection method: clinical testing. Allele origin: germline.
Comment: This sequence change creates a premature translational stop signal (p.Cys3159Valfs*7) in the RELN gene. It is expected to result in an absent or disrupted protein product. Loss-of-function variants in RELN are known to be pathogenic (PMID: 10973257, 26046367, 28454995). This variant is not present in population databases (gnomAD no frequency). This variant has not been reported in the literature in individuals affected with RELN-related conditions. For these reasons, this variant has been classified as Pathogenic.

Literature cited by the submitters: PubMed 10973257; PubMed 26046367; PubMed 28454995.